The following is an entry in ClinVar:

NM_001287.6(CLCN7):c.1135A>G (p.Ile379Val)

Gene: CLCN7 (chloride voltage-gated channel 7; minus strand). Cytogenetic location: 16p13.3.
Variant type: single nucleotide variant.
Coding change: c.1135A>G on transcript NM_001287.6 (MANE Select); coding-DNA position 1135, A replaced by G.
Protein change: p.Ile379Val; replaces isoleucine 379 with valine.
Molecular consequence: missense variant.
Genome position (GRCh38, 1-based): chr16:1,454,429, T>C on the plus strand (A>G on the coding strand, the complement: CLCN7 is on the minus strand). VCF-style: chr16-1454429-T-C. GRCh37 (hg19) VCF-style: chr16-1504430-T-C.
Other names: c.1063A>G, p.Ile355Val (NM_001114331.3); short protein forms I379V, I355V.
Identifiers: ClinVar variation 317950 (VCV000317950.9), dbSNP rs768971657, ClinGen allele CA7810431.

ClinVar aggregate classification (germline): Uncertain significance. Review status: criteria provided, multiple submitters, no conflicts (2 of 4 stars). 2 submissions from 2 submitters: Uncertain significance (2). Last evaluated 2025-12-27.

Conditions:
Osteopetrosis. Identifiers: Orphanet 2781, MedGen C0029454, MONDO:0017198, HP:0011002.

Allele frequency attached by ClinVar (database versions not stated): TOPMed 0.00001; gnomAD 0.00002; gnomAD exomes 0.00002; ExAC 0.00004.
gnomAD v4.1: 25 of 1,613,532 alleles (0.0015%); highest among the groups gnomAD compares: Middle Eastern, 0.033%; no homozygotes.

Submissions (2):

Labcorp Genetics (formerly Invitae), Labcorp
Classification: Uncertain significance. Last evaluated: 2025-12-27. Review status: criteria provided, single submitter. Criteria: Invitae Variant Classification Sherloc (09022015). Collection method: clinical testing. Allele origin: germline.
Comment: This sequence change replaces isoleucine, which is neutral and non-polar, with valine, which is neutral and non-polar, at codon 379 of the CLCN7 protein (p.Ile379Val). This variant is present in population databases (rs768971657, gnomAD 0.005%). This variant has not been reported in the literature in individuals affected with CLCN7-related conditions. ClinVar contains an entry for this variant (Variation ID: 317950). An algorithm developed to predict the effect of missense changes on protein structure and function (PolyPhen-2) suggests that this variant is likely to be tolerated. In summary, the available evidence is currently insufficient to determine the role of this variant in disease. Therefore, it has been classified as a Variant of Uncertain Significance.

Illumina Laboratory Services, Illumina
Classification: Uncertain significance for Osteopetrosis. Last evaluated: 2018-01-13. Review status: criteria provided, single submitter. Criteria: ICSL Variant Classification Criteria 13 December 2019. Collection method: clinical testing. Allele origin: germline.